The following is an entry in ClinVar:

ClinVar aggregate classification (germline): Uncertain significance (1 of 4 stars; one submission).

Conditions:
Fanconi anemia (FA). Also called: Fanconi's anemia. Identifiers: Orphanet 84, MedGen C0015625, MeSH D005199, MONDO:0019391.

Submission:

Labcorp Genetics (formerly Invitae), Labcorp
Classification: Uncertain significance for Fanconi anemia. Last evaluated: 2020-10-30. Review status: criteria provided, single submitter. Criteria: Invitae Variant Classification Sherloc (09022015). Collection method: clinical testing. Allele origin: germline.
Comment: In summary, the available evidence is currently insufficient to determine the role of this variant in disease. Therefore, it has been classified as a Variant of Uncertain Significance. Advanced modeling of protein sequence and biophysical properties (such as structural, functional, and spatial information, amino acid conservation, physicochemical variation, residue mobility, and thermodynamic stability) performed at Invitae indicates that this missense variant is expected to disrupt FANCA protein function. This variant has not been reported in the literature in individuals with FANCA-related conditions. This variant is not present in population databases (ExAC no frequency). This sequence change replaces leucine with arginine at codon 1448 of the FANCA protein (p.Leu1448Arg). The leucine residue is highly conserved and there is a moderate physicochemical difference between leucine and arginine.

NM_000135.4(FANCA):c.4343T>G (p.Leu1448Arg)

Genes: ZNF276 (zinc finger protein 276; plus strand), FANCA (FA complementation group A; minus strand). Cytogenetic location: 16q24.3.
Variant type: single nucleotide variant.
Coding change: c.4343T>G on transcript NM_000135.4 (MANE Select); coding-DNA position 4343, T replaced by G.
Protein change: p.Leu1448Arg; replaces leucine 1448 with arginine.
Molecular consequence: missense variant. On other transcripts: 3 prime UTR variant (3), non-coding transcript variant (4).
Genome position (GRCh38, 1-based): chr16:89,738,626, A>C on the plus strand (T>G on the coding strand, the complement: FANCA is on the minus strand). VCF-style: chr16-89738626-A-C. GRCh37 (hg19) VCF-style: chr16-89805034-A-C.
Other names: c.*72T>G (NM_001286167.3); c.*380A>C (NM_001113525.2, NM_152287.4); short protein forms L1448R.
Identifiers: ClinVar variation 1019200 (VCV001019200.8), dbSNP rs1223154937, ClinGen allele CA397482999.